The following is an entry in ClinVar:

ClinVar aggregate classification (germline): Pathogenic. Review status: criteria provided, multiple submitters, no conflicts (2 of 4 stars). 9 submissions from 9 submitters: Pathogenic (7). 2 of the submissions do not count toward it. Last evaluated 2026-09-17.

Conditions:
Cardiovascular phenotype. Identifiers: MedGen CN230736.
Hereditary cancer-predisposing syndrome. Also called: Neoplastic Syndromes, Hereditary; Tumor predisposition; Hereditary Cancer Syndrome; Hereditary neoplastic syndrome. Identifiers: Orphanet 140162, MedGen C0027672, MeSH D009386, MONDO:0015356.
Neurofibromatosis, type 1 (NF1). Also called: Neurofibromatosis, type I; Peripheral type neurofibromatosis; NEUROFIBROMATOSIS, TYPE I, SOMATIC; VON RECKLINGHAUSEN DISEASE. Identifiers: Orphanet 636, MedGen C0027831, MONDO:0018975, OMIM 162200. Disease mechanism: loss of function.
Multiple congenital anomalies/dysmorphic syndrome-intellectual disability. Identifiers: Orphanet 102283, MedGen C5680372, MONDO:0015159.

Submissions (9):

Clinical Genetics Laboratory, Skane University Hospital Lund
Classification: Pathogenic for Neurofibromatosis, type 1. Last evaluated: 2026-09-17. Review status: criteria provided, single submitter. Criteria: ACMG Guidelines, 2015. Collection method: clinical testing. Allele origin: germline. Inheritance: Autosomal dominant inheritance. Affected: yes.
Comment: ACMG criteria: PVS1_Moderate, PS1_Supporting, PS4_Moderate, PM2, PP1 and PP4_Strong.

Myriad Genetics, Inc.
Classification: Pathogenic for Neurofibromatosis, type 1. Last evaluated: 2026-08-12. Review status: criteria provided, single submitter. Criteria: Myriad Autosomal Dominant, Autosomal Recessive and X-Linked Classification Criteria (2023). Collection method: clinical testing. Allele origin: unknown.
Comment: This variant is considered pathogenic. This variant occurs within a consensus splice junction and is predicted to result in abnormal mRNA splicing of either an out-of-frame exon or an in-frame exon necessary for protein stability and/or normal function. This variant has been reported in multiple individuals with clinical features of gene-specific disease [PMID: 31201679, 18546366, 16786508, 18484666, 30308447, 31766501, 23913538]. mRNA analysis has demonstrated abnormal mRNA splicing occurs [PMID: 18546366, 23913538].

Labcorp Genetics (formerly Invitae), Labcorp
Classification: Pathogenic for Neurofibromatosis, type 1. Last evaluated: 2025-03-26. Review status: criteria provided, single submitter. Criteria: Invitae Variant Classification Sherloc (09022015). Collection method: clinical testing. Allele origin: germline.
Comment: This sequence change affects an acceptor splice site in intron 9 of the NF1 gene. It is expected to disrupt RNA splicing. Variants that disrupt the donor or acceptor splice site typically lead to a loss of protein function (PMID: 16199547), and loss-of-function variants in NF1 are known to be pathogenic (PMID: 10712197, 23913538). This variant is not present in population databases (gnomAD no frequency). Disruption of this splice site has been observed in individuals with neurofibromatosis type 1 (PMID: 14722917, 18546366, 25074460). This variant is also known as intron 7. ClinVar contains an entry for this variant (Variation ID: 404575). Algorithms developed to predict the effect of sequence changes on RNA splicing suggest that this variant may disrupt the consensus splice site. For these reasons, this variant has been classified as Pathogenic.

GeneDx
Classification: Pathogenic. Last evaluated: 2022-10-12. Review status: criteria provided, single submitter. Criteria: GeneDx Variant Classification Process June 2021. Collection method: clinical testing. Allele origin: germline. Affected: yes.
Comment: Canonical splice site variant predicted to result in an in-frame deletion of exon 10; Deletions involving coding exons in this gene are frequently reported as pathogenic, regardless of frame prediction (HGMD); Not observed at significant frequency in large population cohorts (gnomAD); Also known as IVS7-2A>G; This variant is associated with the following publications: (PMID: 18546366, 25074460, 25525159, 14722917, 16786508, 18484666, 31201679, 22155606)

AURAGEN, Plan France Médecine Génomique
Classification: Pathogenic for Multiple congenital anomalies/dysmorphic syndrome-intellectual disability. Last evaluated: 2022-07-05. Review status: criteria provided, single submitter. Criteria: PFMG2025 (Lancet Reg Health Eur. 2025). Collection method: clinical testing. Allele origin: germline. Affected: yes.

Genome-Nilou Lab
Classification: Pathogenic for Neurofibromatosis, type 1. Last evaluated: 2022-03-15. Review status: criteria provided, single submitter. Criteria: ACMG Guidelines, 2015. Collection method: clinical testing. Allele origin: germline. Affected: no.

Ambry Genetics
Classification: Pathogenic for Cardiovascular phenotype; Hereditary cancer-predisposing syndrome. Last evaluated: 2021-08-02. Review status: criteria provided, single submitter. Criteria: Ambry Variant Classification Scheme 2023. Collection method: clinical testing. Allele origin: germline.
Comment: The c.1063-2A>G intronic pathogenic mutation results from an A to G substitution two nucleotides upstream from coding exon 10 in the NF1 gene. This alteration has been described in the literature as IVS7-2A>G and reported in individuals affected with neurofibromatosis type 1 (Upadhyaya M et al. Hum Mutat, 2004 Feb;23:134-46). This nucleotide position is highly conserved in available vertebrate species. Alterations that disrupt the canonical splice site are expected to result in aberrant splicing. In silico splice site analysis predicts that this alteration will weaken the native splice acceptor site; however, direct evidence is insufficient at this time (Ambry internal data). This variant is considered to be rare based on population cohorts in the Genome Aggregation Database (gnomAD). Based on the supporting evidence, this alteration is interpreted as a disease-causing mutation.

Clinical Genetics DNA and cytogenetics Diagnostics Lab, Erasmus MC, Erasmus Medical Center
Classification: Pathogenic. Review status: no assertion criteria provided. Collection method: clinical testing. Allele origin: germline. Affected: yes. Study: VKGL Data-share Consensus. Not counted in ClinVar's aggregate classification.

Joint Genome Diagnostic Labs from Nijmegen and Maastricht, Radboudumc and MUMC+
Classification: Likely pathogenic. Review status: no assertion criteria provided. Collection method: clinical testing. Allele origin: germline. Affected: yes. Study: VKGL Data-share Consensus. Not counted in ClinVar's aggregate classification.

Literature cited by the submitters: PubMed 31201679 (cited by Myriad Genetics, Inc.); PubMed 18546366 (cited by Myriad Genetics, Inc. and Labcorp Genetics (formerly Invitae), Labcorp); PubMed 16786508 (cited by Myriad Genetics, Inc.); PubMed 18484666 (cited by Myriad Genetics, Inc.); PubMed 30308447 (cited by Myriad Genetics, Inc.); PubMed 31766501 (cited by Myriad Genetics, Inc.); PubMed 23913538 (cited by Myriad Genetics, Inc. and Labcorp Genetics (formerly Invitae), Labcorp); PubMed 16199547 (cited by Labcorp Genetics (formerly Invitae), Labcorp); PubMed 10712197 (cited by Labcorp Genetics (formerly Invitae), Labcorp); PubMed 14722917 (cited by Labcorp Genetics (formerly Invitae), Labcorp); PubMed 25074460 (cited by Labcorp Genetics (formerly Invitae), Labcorp).

NM_001042492.3(NF1):c.1063-2A>G

Gene: NF1 (neurofibromin 1; plus strand). Cytogenetic location: 17q11.2.
Variant type: single nucleotide variant.
Coding change: c.1063-2A>G on transcript NM_001042492.3 (MANE Select); the canonical splice acceptor site of the intron before coding-DNA position 1063, A replaced by G.
Molecular consequence: splice acceptor variant.
Genome position (GRCh38, 1-based): chr17:31,201,035, A>G. VCF-style: chr17-31201035-A-G. GRCh37 (hg19) VCF-style: chr17-29528053-A-G.
Other names: c.1063-2A>G (NM_000267.4, NM_001128147.3).
Identifiers: ClinVar variation 404575 (VCV000404575.19), dbSNP rs1060500358, ClinGen allele CA16615156.